The following is an entry in ClinVar:

NM_001367823.1(ARHGEF18):c.2897C>T (p.Pro966Leu)

Gene: ARHGEF18 (Rho/Rac guanine nucleotide exchange factor 18; plus strand). Cytogenetic location: 19p13.2.
Variant type: single nucleotide variant.
Coding change: c.2897C>T on transcript NM_001367823.1 (MANE Select); coding-DNA position 2897, C replaced by T.
Protein change: p.Pro966Leu; replaces proline 966 with leucine.
Molecular consequence: missense variant.
Genome position (GRCh38, 1-based): chr19:7,464,683, C>T. VCF-style: chr19-7464683-C-T. GRCh37 (hg19) VCF-style: chr19-7529569-C-T.
Other names: c.2171C>T, p.Pro724Leu (NM_001130955.2); c.1859C>T, p.Pro620Leu (NM_001367824.1, NM_015318.4); short protein forms P724L, P966L, P620L.
Identifiers: ClinVar variation 840698 (VCV000840698.7), dbSNP rs567018549, ClinGen allele CA9137013.
Genomic context (GRCh38, chr19:7,464,683, plus strand): 5'-CAAACAGCCCGGACTTGAAGCTCAGTGACAGTGACATTCCTGGGAGCTCTGAGGAATCGC[C>T]GCAGGTGGTACGTGGATATCCATTTGCTCGGTACAGTCTGAGTCGTCATAAGGATTCATG-3'
Protein context (NP_001354752.1, residues 956-976): SDIPGSSEES[Pro966Leu]QVVEAPGTES

ClinVar aggregate classification (germline): Conflicting classifications of pathogenicity. Review status: criteria provided, conflicting classifications (1 of 4 stars). 2 submissions from 2 submitters: Uncertain significance (1); Likely benign (1). Last evaluated 2025-10-14.

Conditions:
Inborn genetic diseases. Identifiers: MedGen C0950123, MeSH D030342.

Allele frequency attached by ClinVar (database versions not stated): gnomAD exomes 0.00002 and 0.00005; ExAC 0.00003; gnomAD 0.00011 and 0.00013; TOPMed 0.00013; 1000 Genomes Project 30x 0.00016; 1000 Genomes Project 0.00020.
gnomAD v4.1: 50 of 1,613,940 alleles (0.0031%); highest among the groups gnomAD compares: Admixed American, 0.033%; no homozygotes.

Submissions (2):

Labcorp Genetics (formerly Invitae), Labcorp
Classification: Uncertain significance. Last evaluated: 2025-10-14. Review status: criteria provided, single submitter. Criteria: Invitae Variant Classification Sherloc (09022015). Collection method: clinical testing. Allele origin: germline.
Comment: This sequence change replaces proline, which is neutral and non-polar, with leucine, which is neutral and non-polar, at codon 778 of the ARHGEF18 protein (p.Pro778Leu). This variant is present in population databases (rs567018549, gnomAD 0.01%). This variant has not been reported in the literature in individuals affected with ARHGEF18-related conditions. ClinVar contains an entry for this variant (Variation ID: 840698). An algorithm developed to predict the effect of missense changes on protein structure and function outputs the following: PolyPhen-2: "Benign". The leucine amino acid residue is found in multiple mammalian species, which suggests that this missense change does not adversely affect protein function. In summary, the available evidence is currently insufficient to determine the role of this variant in disease. Therefore, it has been classified as a Variant of Uncertain Significance.

Ambry Genetics
Classification: Likely benign for Inborn genetic diseases. Last evaluated: 2025-06-22. Review status: criteria provided, single submitter. Criteria: Ambry Variant Classification Scheme 2023. Collection method: clinical testing. Allele origin: germline.